The following is an entry in ClinVar:

ClinVar aggregate classification (germline): Pathogenic (1 of 4 stars; one submission).

Conditions:
Inborn genetic diseases. Identifiers: MedGen C0950123, MeSH D030342.

Submission:

Ambry Genetics
Classification: Pathogenic for Inborn genetic diseases. Last evaluated: 2021-11-03. Review status: criteria provided, single submitter. Criteria: Ambry Variant Classification Scheme 2023. Collection method: clinical testing. Allele origin: germline.
Comment: The c.5680_5683delCGGGinsATATGGTATATTTACTT (p.R1894Ifs*12) alteration, located in exon 40 (coding exon 39) of the TRIP12 gene, consists of an deletion of 4 and insertion of 17 nucleotides causing a translational frameshift at position 5680 with a predicted alternate stop codon after 12 amino acids. This alteration is expected to result in loss of function by premature protein truncation or nonsense-mediated mRNA decay. This variant was not reported in population-based cohorts in the Genome Aggregation Database (gnomAD). Based on the available evidence, this alteration is classified as pathogenic.

NM_001348323.3(TRIP12):c.5905_5908delinsATATGGTATATTTACTT (p.Arg1969fs)

Gene: TRIP12 (thyroid hormone receptor interactor 12; minus strand). Cytogenetic location: 2q36.3.
Variant type: Indel.
Coding change: c.5905_5908delinsATATGGTATATTTACTT on transcript NM_001348323.3 (MANE Select); coding-DNA positions 5905 to 5908, CGGG replaced by ATATGGTATATTTACTT.
Protein change: p.Arg1969fs; shifts the reading frame from arginine 1969.
Molecular consequence: frameshift variant.
Genome position (GRCh38, 1-based): chr2:229,768,715-229,768,718, CCCG replaced by AAGTAAATATACCATAT on the plus strand (CGGG replaced by ATATGGTATATTTACTT on the coding strand, the reverse complement: TRIP12 is on the minus strand). VCF-style: chr2-229768715-CCCG-AAGTAAATATACCATAT. GRCh37 (hg19) VCF-style: chr2-230633431-CCCG-AAGTAAATATACCATAT.
Other names: c.5824_5827delinsATATGGTATATTTACTT, p.Arg1942fs (NM_001284214.2, NM_001348315.2); c.5779_5782delinsATATGGTATATTTACTT, p.Arg1927fs (NM_001284215.2, NM_001348316.2); c.4870_4873delinsATATGGTATATTTACTT, p.Arg1624fs (NM_001284216.2); c.5764_5767delinsATATGGTATATTTACTT, p.Arg1922fs (NM_001348317.1, NM_001348318.2); c.5890_5893delinsATATGGTATATTTACTT, p.Arg1964fs (NM_001348319.1, NM_001348320.2); c.5893_5896delinsATATGGTATATTTACTT, p.Arg1965fs (NM_001348321.1); c.5905_5908delinsATATGGTATATTTACTT, p.Arg1969fs (NM_001348322.1, NM_001348324.2, NM_001348325.2 and 2 more transcripts); c.5908_5911delinsATATGGTATATTTACTT, p.Arg1970fs (NM_001348328.1, NM_001348329.2, NM_001348330.2); and 4 more; short protein forms R1894fs, R1922fs, R1970fs, R1624fs, R1943fs, R1969fs, R1964fs, R1895fs.
Identifiers: ClinVar variation 2258023 (VCV002258023.2), dbSNP rs2469759620, ClinGen allele CA2580065963.